The following is an entry in ClinVar:

NM_001148.6(ANK2):c.7148C>G (p.Pro2383Arg)

Genes: ANK2 (ankyrin 2; plus strand), LOC126807137 (CDK7 strongly-dependent group 2 enhancer GRCh37_chr4:114276560-114277759; plus strand). Cytogenetic location: 4q26.
Variant type: single nucleotide variant.
Coding change: c.7148C>G on transcript NM_001148.6 (MANE Select); coding-DNA position 7148, C replaced by G.
Protein change: p.Pro2383Arg; replaces proline 2383 with arginine.
Molecular consequence: missense variant. On other transcripts: intron variant (68).
Genome position (GRCh38, 1-based): chr4:113,355,766, C>G. VCF-style: chr4-113355766-C-G. GRCh37 (hg19) VCF-style: chr4-114276922-C-G.
Other names: c.6914C>G, p.Pro2305Arg (NM_001386142.1); c.3548C>G, p.Pro1183Arg (NM_001386166.1); c.7289C>G, p.Pro2430Arg (NM_001386174.1); c.7265C>G, p.Pro2422Arg (NM_001386175.1); c.4412-5057C>G (NM_001386186.2, NM_001386148.2); c.4214-5057C>G (NM_001354269.3); c.4292-5057C>G (NM_001386187.2); c.4253-5057C>G (NM_001386147.1); and 35 more; short protein forms P2383R, P1183R, P2305R, P2422R, P2430R.
Identifiers: ClinVar variation 844803 (VCV000844803.9), dbSNP rs35960628, ClinGen allele CA357929617.

ClinVar aggregate classification (germline): Conflicting classifications of pathogenicity. Review status: criteria provided, conflicting classifications (1 of 4 stars). 2 submissions from 2 submitters: Uncertain significance (1); Likely benign (1). Last evaluated 2023-12-18.

Conditions:
Long QT syndrome (LQTS). Identifiers: MedGen C0023976, MeSH D008133, MONDO:0002442. Disease mechanism: loss of function. Inheritance: Various modes of inheritance.
Cardiovascular phenotype. Identifiers: MedGen CN230736.

gnomAD v4.1: 2 of 1,614,088 alleles (0.00012%); highest among the groups gnomAD compares: Admixed American, 0.0033%; no homozygotes.

Submissions (2):

Labcorp Genetics (formerly Invitae), Labcorp
Classification: Uncertain significance for Long QT syndrome. Last evaluated: 2023-12-18. Review status: criteria provided, single submitter. Criteria: Invitae Variant Classification Sherloc (09022015). Collection method: clinical testing. Allele origin: germline.
Comment: This sequence change replaces proline, which is neutral and non-polar, with arginine, which is basic and polar, at codon 2383 of the ANK2 protein (p.Pro2383Arg). This variant is present in population databases (no rsID available, gnomAD 0.006%). This variant has not been reported in the literature in individuals affected with ANK2-related conditions. ClinVar contains an entry for this variant (Variation ID: 844803). An algorithm developed to predict the effect of missense changes on protein structure and function (PolyPhen-2) suggests that this variant is likely to be tolerated. In summary, the available evidence is currently insufficient to determine the role of this variant in disease. Therefore, it has been classified as a Variant of Uncertain Significance.

Ambry Genetics
Classification: Likely benign for Cardiovascular phenotype. Last evaluated: 2019-09-03. Review status: criteria provided, single submitter. Criteria: Ambry Variant Classification Scheme 2023. Collection method: clinical testing. Allele origin: germline.